The following is an entry in ClinVar:

NM_024306.5(FA2H):c.726C>A (p.Pro242=)

Gene: FA2H (fatty acid 2-hydroxylase; minus strand). Cytogenetic location: 16q23.1.
Variant type: single nucleotide variant.
Coding change: c.726C>A on transcript NM_024306.5 (MANE Select); coding-DNA position 726, C replaced by A.
Protein change: p.Pro242=; no amino-acid change (proline 242 retained).
Molecular consequence: synonymous variant.
Genome position (GRCh38, 1-based): chr16:74,719,048, G>T on the plus strand (C>A on the coding strand, the complement: FA2H is on the minus strand). VCF-style: chr16-74719048-G-T. GRCh37 (hg19) VCF-style: chr16-74752946-G-T.
Identifiers: ClinVar variation 2646864 (VCV002646864.24), dbSNP rs2544316520, ClinGen allele CA496547122.

ClinVar aggregate classification (germline): Likely benign (1 of 4 stars; one submission).

Submission:

CeGaT Center for Human Genetics Tuebingen
Classification: Likely benign. Last evaluated: 2022-10-01. Review status: criteria provided, single submitter. Criteria: CeGaT Center For Human Genetics Tuebingen Variant Classification Criteria Version 2. Collection method: clinical testing. Allele origin: germline. Affected: yes. Observed: 1 variant allele.
Comment: FA2H: PM2:Supporting, BP4, BP7